The following is an entry in ClinVar:

ClinVar aggregate classification (germline): Uncertain significance. Review status: criteria provided, multiple submitters, no conflicts (2 of 4 stars). 2 submissions from 2 submitters: Uncertain significance (2). Last evaluated 2026-02-19.

Conditions:
Hypertrophic cardiomyopathy. Also called: HYPERTROPHIC MYOCARDIOPATHY. Identifiers: Orphanet 217569, MedGen C0007194, MeSH D002312, MONDO:0005045, HP:0001639.

Allele frequency attached by ClinVar (database versions not stated): ExAC 0.00001; gnomAD exomes 0.00001.
gnomAD v4.1: 9 of 1,611,998 alleles (0.00056%); highest among the groups gnomAD compares: Non-Finnish European, 0.00076%; no homozygotes.

Submissions (2):

Ambry Genetics
Classification: Uncertain significance. Last evaluated: 2026-02-19. Review status: criteria provided, single submitter. Criteria: Ambry Variant Classification Scheme 2023. Collection method: clinical testing. Allele origin: germline.
Comment: The p.C1372G variant (also known as c.4114T>G), located in coding exon 28 of the MYOM1 gene, results from a T to G substitution at nucleotide position 4114. The cysteine at codon 1372 is replaced by glycine, an amino acid with highly dissimilar properties. This amino acid position is conserved. In addition, this alteration is predicted to be deleterious by in silico analysis. Based on the available evidence, the clinical significance of this variant remains unclear.

Labcorp Genetics (formerly Invitae), Labcorp
Classification: Uncertain significance for Hypertrophic cardiomyopathy. Last evaluated: 2020-03-14. Review status: criteria provided, single submitter. Criteria: Invitae Variant Classification Sherloc (09022015). Collection method: clinical testing. Allele origin: germline.
Comment: In summary, the available evidence is currently insufficient to determine the role of this variant in disease. Therefore, it has been classified as a Variant of Uncertain Significance. Algorithms developed to predict the effect of missense changes on protein structure and function are either unavailable or do not agree on the potential impact of this missense change (SIFT: "Tolerated"; PolyPhen-2: "Probably Damaging"; Align-GVGD: "Class C0"). This variant has not been reported in the literature in individuals with MYOM1-related conditions. This variant is present in population databases (rs765299084, ExAC 0.002%). This sequence change replaces cysteine with glycine at codon 1372 of the MYOM1 protein (p.Cys1372Gly). The cysteine residue is weakly conserved and there is a large physicochemical difference between cysteine and glycine.

NM_003803.4(MYOM1):c.4114T>G (p.Cys1372Gly)

Gene: MYOM1 (myomesin 1; minus strand). Cytogenetic location: 18p11.31.
Variant type: single nucleotide variant.
Coding change: c.4114T>G on transcript NM_003803.4 (MANE Select); coding-DNA position 4114, T replaced by G.
Protein change: p.Cys1372Gly; replaces cysteine 1372 with glycine.
Molecular consequence: missense variant.
Genome position (GRCh38, 1-based): chr18:3,089,197, A>C on the plus strand (T>G on the coding strand, the complement: MYOM1 is on the minus strand). VCF-style: chr18-3089197-A-C. GRCh37 (hg19) VCF-style: chr18-3089195-A-C.
Other names: c.4114T>G (NM_003803.3); c.3826T>G, p.Cys1276Gly (NM_019856.2); short protein forms C1276G, C1372G.
Identifiers: ClinVar variation 1052422 (VCV001052422.11), dbSNP rs765299084, ClinGen allele CA8874056.